The following is an entry in ClinVar:

ClinVar aggregate classification (germline): Uncertain significance. Review status: criteria provided, multiple submitters, no conflicts (2 of 4 stars). 3 submissions from 3 submitters: Uncertain significance (3). Last evaluated 2026-03-04.

Conditions:
Hereditary cancer-predisposing syndrome. Also called: Tumor predisposition; Hereditary Cancer Syndrome; Neoplastic Syndromes, Hereditary; Hereditary neoplastic syndrome. Identifiers: Orphanet 140162, MedGen C0027672, MeSH D009386, MONDO:0015356.
Familial melanoma. Also called: Hereditary melanoma; Hereditary cutaneous melanoma. Identifiers: Orphanet 618, MedGen C1512419, MONDO:0018961.

Submissions (3):

Ambry Genetics
Classification: Uncertain significance for Hereditary cancer-predisposing syndrome. Last evaluated: 2026-03-04. Review status: criteria provided, single submitter. Criteria: Ambry Variant Classification Scheme 2023. Collection method: clinical testing. Allele origin: germline.
Comment: The p.I49M variant (also known as c.147C>G), located in coding exon 1 of the CDKN2A gene, results from a C to G substitution at nucleotide position 147. The isoleucine at codon 49 is replaced by methionine, an amino acid with highly similar properties. This amino acid position is well conserved in available vertebrate species. In addition, the in silico prediction for this alteration is inconclusive. Based on the available evidence, the clinical significance of this variant remains unclear.

Color Diagnostics, LLC DBA Color Health
Classification: Uncertain significance for Hereditary cancer-predisposing syndrome. Last evaluated: 2024-04-16. Review status: criteria provided, single submitter. Criteria: ACMG Guidelines, 2015. Collection method: clinical testing. Allele origin: germline.
Comment: The CDKN2A locus encodes two different gene products, p16INK4a and p14ARF. This missense variant replaces isoleucine with methionine at codon 49 of the CDKN2A (p16INK4A) protein. Computational prediction is inconclusive regarding the impact of this variant on protein structure and function. To our knowledge, functional studies have not been reported for this variant. This variant has not been reported in individuals affected with CDKN2A-related disorders in the literature. This variant has not been identified in the general population by the Genome Aggregation Database (gnomAD). A different variant occurring at the same codon, p.Ile49Ser, has been classified as pathogenic (ClinVar Variation ID: 430217), indicating that isoleucine at this position is important for CDKN2A (p16INK4A) protein function. The available evidence is insufficient to determine the role of this variant in disease conclusively. Therefore, this variant is classified as a Variant of Uncertain Significance.

Labcorp Genetics (formerly Invitae), Labcorp
Classification: Uncertain significance for Familial melanoma. Last evaluated: 2020-08-30. Review status: criteria provided, single submitter. Criteria: Invitae Variant Classification Sherloc (09022015). Collection method: clinical testing. Allele origin: germline.
Comment: In summary, the available evidence is currently insufficient to determine the role of this variant in disease. Therefore, it has been classified as a Variant of Uncertain Significance. This variant disrupts the p.Ile49 amino acid residue in CDKN2A (p16INK4a). Other variant(s) that disrupt this residue have been determined to be pathogenic (PMID: 10719365, 10398427, 22841127, 20340136). This suggests that this residue is clinically significant, and that variants that disrupt this residue are likely to be disease-causing. Algorithms developed to predict the effect of missense changes on protein structure and function are either unavailable or do not agree on the potential impact of this missense change (SIFT: "Deleterious"; PolyPhen-2: "Possibly Damaging"; Align-GVGD: "Class C0"). This variant has not been reported in the literature in individuals with CDKN2A (p16INK4a)-related conditions. ClinVar contains an entry for this variant (Variation ID: 483330). This variant is not present in population databases (ExAC no frequency). This sequence change replaces isoleucine with methionine at codon 49 of the CDKN2A (p16INK4a) protein (p.Ile49Met). The isoleucine residue is moderately conserved and there is a small physicochemical difference between isoleucine and methionine.

Literature cited by the submitters: PubMed 10719365 (cited by Labcorp Genetics (formerly Invitae), Labcorp); PubMed 10398427 (cited by Labcorp Genetics (formerly Invitae), Labcorp); PubMed 22841127 (cited by Labcorp Genetics (formerly Invitae), Labcorp); PubMed 20340136 (cited by Labcorp Genetics (formerly Invitae), Labcorp).

NM_000077.5(CDKN2A):c.147C>G (p.Ile49Met)

Gene: CDKN2A (cyclin dependent kinase inhibitor 2A; minus strand). Cytogenetic location: 9p21.3.
Variant type: single nucleotide variant.
Coding change: c.147C>G on transcript NM_000077.5; coding-DNA position 147, C replaced by G.
Protein change: p.Ile49Met; replaces isoleucine 49 with methionine.
Molecular consequence: missense variant (on NM_000077.6). On other transcripts: intron variant (2).
Genome position (GRCh38, 1-based): chr9:21,974,681, G>C on the plus strand (C>G on the coding strand, the complement: CDKN2A is on the minus strand). VCF-style: chr9-21974681-G-C. GRCh37 (hg19) VCF-style: chr9-21974680-G-C.
Other names: c.147C>G, p.Ile49Met (NM_000077.6, NM_001195132.2, NM_058197.5); c.-3-3473C>G (NM_001363763.2); c.194-3473C>G (NM_058195.4); short protein forms I49M.
Identifiers: ClinVar variation 483330 (VCV000483330.17), dbSNP rs200738474, ClinGen allele CA373086479.